The following is an entry in ClinVar:

NM_001242896.3(DEPDC5):c.3731C>G (p.Ser1244Cys)

Gene: DEPDC5 (DEP domain containing 5, GATOR1 subcomplex subunit; plus strand). Cytogenetic location: 22q12.3.
Variant type: single nucleotide variant.
Coding change: c.3731C>G on transcript NM_001242896.3 (MANE Select); coding-DNA position 3731, C replaced by G.
Protein change: p.Ser1244Cys; replaces serine 1244 with cysteine.
Molecular consequence: missense variant. On other transcripts: non-coding transcript variant (2).
Genome position (GRCh38, 1-based): chr22:31,876,191, C>G. VCF-style: chr22-31876191-C-G. GRCh37 (hg19) VCF-style: chr22-32272177-C-G.
Other names: c.3704C>G, p.Ser1235Cys (NM_001136029.4); c.3431C>G, p.Ser1144Cys (NM_001242897.2); c.3665C>G, p.Ser1222Cys (NM_001363852.2, NM_001364320.2); c.3497C>G, p.Ser1166Cys (NM_001363854.2, NM_001364319.2); c.3731C>G, p.Ser1244Cys (NM_001364318.2); c.3647C>G, p.Ser1216Cys (NM_001369901.1, NM_001369902.1); c.3638C>G, p.Ser1213Cys (NM_001369903.1, NM_014662.6); short protein forms S1216C, S1144C, S1235C, S1166C, S1222C, S1213C, S1244C.
Identifiers: ClinVar variation 845366 (VCV000845366.10), dbSNP rs755768537, ClinGen allele CA10197078.

ClinVar aggregate classification (germline): Uncertain significance. Review status: criteria provided, multiple submitters, no conflicts (2 of 4 stars). 2 submissions from 2 submitters: Uncertain significance (2). Last evaluated 2023-07-26.

Conditions:
Familial focal epilepsy with variable foci (FPEVF). Identifiers: Orphanet 98820, MedGen C1858477, MONDO:0020310.

Allele frequency attached by ClinVar (database versions not stated): gnomAD exomes below 0.00001; TOPMed below 0.00001; ExAC 0.00001.

Submissions (2):

GeneDx
Classification: Uncertain significance. Last evaluated: 2023-07-26. Review status: criteria provided, single submitter. Criteria: GeneDx Variant Classification Process June 2021. Collection method: clinical testing. Allele origin: germline. Affected: yes.
Comment: In silico analysis supports that this missense variant has a deleterious effect on protein structure/function; Has not been previously published as pathogenic or benign to our knowledge

Labcorp Genetics (formerly Invitae), Labcorp
Classification: Uncertain significance for Familial focal epilepsy with variable foci. Last evaluated: 2022-10-12. Review status: criteria provided, single submitter. Criteria: Invitae Variant Classification Sherloc (09022015). Collection method: clinical testing. Allele origin: germline.
Comment: In summary, the available evidence is currently insufficient to determine the role of this variant in disease. Therefore, it has been classified as a Variant of Uncertain Significance. Algorithms developed to predict the effect of missense changes on protein structure and function are either unavailable or do not agree on the potential impact of this missense change (SIFT: "Deleterious"; PolyPhen-2: "Not Available"; Align-GVGD: "Class C65"). ClinVar contains an entry for this variant (Variation ID: 845366). This variant has not been reported in the literature in individuals affected with DEPDC5-related conditions. This variant is present in population databases (rs755768537, gnomAD 0.007%). This sequence change replaces serine, which is neutral and polar, with cysteine, which is neutral and slightly polar, at codon 1244 of the DEPDC5 protein (p.Ser1244Cys).